The following is an entry in ClinVar:

ClinVar aggregate classification (germline): Uncertain significance (1 of 4 stars; one submission).

Allele frequency attached by ClinVar (database versions not stated): TOPMed 0.00001.
gnomAD v4.1: 16 of 1,552,004 alleles (0.001%); highest among the groups gnomAD compares: Non-Finnish European, 0.001%; no homozygotes.

Submission:

Labcorp Genetics (formerly Invitae), Labcorp
Classification: Uncertain significance. Last evaluated: 2022-05-09. Review status: criteria provided, single submitter. Criteria: Invitae Variant Classification Sherloc (09022015). Collection method: clinical testing. Allele origin: germline.
Comment: This sequence change replaces arginine, which is basic and polar, with glutamine, which is neutral and polar, at codon 1076 of the UNC80 protein (p.Arg1076Gln). This variant is present in population databases (no rsID available, gnomAD 0.002%). This variant has not been reported in the literature in individuals affected with UNC80-related conditions. Algorithms developed to predict the effect of missense changes on protein structure and function are either unavailable or do not agree on the potential impact of this missense change (SIFT: "Not Available"; PolyPhen-2: "Probably Damaging"; Align-GVGD: "Not Available"). In summary, the available evidence is currently insufficient to determine the role of this variant in disease. Therefore, it has been classified as a Variant of Uncertain Significance.

NM_001371986.1(UNC80):c.3227G>A (p.Arg1076Gln)

Gene: UNC80 (unc-80 homolog, NALCN channel complex subunit; plus strand). Cytogenetic location: 2q34.
Variant type: single nucleotide variant.
Coding change: c.3227G>A on transcript NM_001371986.1 (MANE Select); coding-DNA position 3227, G replaced by A.
Protein change: p.Arg1076Gln; replaces arginine 1076 with glutamine.
Molecular consequence: missense variant.
Genome position (GRCh38, 1-based): chr2:209,839,407, G>A. VCF-style: chr2-209839407-G-A. GRCh37 (hg19) VCF-style: chr2-210704131-G-A.
Other names: c.3227G>A, p.Arg1076Gln (NM_032504.2); c.3212G>A, p.Arg1071Gln (NM_182587.4); short protein forms R1071Q, R1076Q.
Identifiers: ClinVar variation 1492079 (VCV001492079.5), dbSNP rs977303978, ClinGen allele CA64685200.
Genomic context (GRCh38, chr2:209,839,407, plus strand): 5'-CCCACTCAGGGACCACCTCTGACCGACGTGCCCGCTCACGATCCCGCAGAATTTCCCTCC[G>A]AAAGAAGCTTAAACTCCCCATAGGTAAAAGTATGTCTGTATTTGTTTATGGATTATCTTA-3'
Protein context (NP_001358915.1, residues 1066-1086): ARSRSRRISL[Arg1076Gln]KKLKLPIGNW